The following is an entry in ClinVar:

NM_006231.4(POLE):c.5121G>T (p.Glu1707Asp)

Gene: POLE (DNA polymerase epsilon, catalytic subunit; minus strand). Cytogenetic location: 12q24.33.
Variant type: single nucleotide variant.
Coding change: c.5121G>T on transcript NM_006231.4 (MANE Select); coding-DNA position 5121, G replaced by T.
Protein change: p.Glu1707Asp; replaces glutamic acid 1707 with aspartic acid.
Molecular consequence: missense variant.
Genome position (GRCh38, 1-based): chr12:132,642,229, C>A on the plus strand (G>T on the coding strand, the complement: POLE is on the minus strand). VCF-style: chr12-132642229-C-A. GRCh37 (hg19) VCF-style: chr12-133218815-C-A.
Other names: c.5121G>T (NM_006231.2); short protein forms E1707D.
Identifiers: ClinVar variation 405613 (VCV000405613.10), dbSNP rs750460626, ClinGen allele CA6892625.
Genomic context (GRCh38, chr12:132,642,229, plus strand): 5'-CCACTTACCTGTGGAGTAACAGCCTGAACTGTTGATCTCAACAGTGGCTTGGTCATCGAA[C>A]TCCATGACAAGACAGTTGTCATCAGCCTCCTTTCCACCCAGGTCAGGGCGGGCTGTAGGG-3'
Protein context (NP_006222.2, residues 1697-1717): KEADDNCLVM[Glu1707Asp]FDDQATVEIN

ClinVar aggregate classification (germline): Conflicting classifications of pathogenicity. Review status: criteria provided, conflicting classifications (1 of 4 stars). 3 submissions from 3 submitters: Uncertain significance (2); Likely benign (1). Last evaluated 2025-05-07.

Conditions:
Hereditary cancer-predisposing syndrome. Also called: Hereditary Cancer Syndrome; Hereditary neoplastic syndrome; Neoplastic Syndromes, Hereditary; Tumor predisposition. Identifiers: Orphanet 140162, MedGen C0027672, MeSH D009386, MONDO:0015356.

Allele frequency attached by ClinVar (database versions not stated): gnomAD exomes below 0.00001; ExAC 0.00001.
gnomAD v4.1: 5 of 1,609,726 alleles (0.00031%); highest among the groups gnomAD compares: Non-Finnish European, 0.00042%; no homozygotes.

Submissions (3):

Ambry Genetics
Classification: Likely benign for Hereditary cancer-predisposing syndrome. Last evaluated: 2025-05-07. Review status: criteria provided, single submitter. Criteria: Ambry Variant Classification Scheme 2023. Collection method: clinical testing. Allele origin: germline.

Labcorp Genetics (formerly Invitae), Labcorp
Classification: Uncertain significance. Last evaluated: 2025-04-11. Review status: criteria provided, single submitter. Criteria: Invitae Variant Classification Sherloc (09022015). Collection method: clinical testing. Allele origin: germline.
Comment: This sequence change replaces glutamic acid, which is acidic and polar, with aspartic acid, which is acidic and polar, at codon 1707 of the POLE protein (p.Glu1707Asp). The frequency data for this variant in the population databases is considered unreliable, as metrics indicate poor data quality at this position in the gnomAD database. This variant has not been reported in the literature in individuals affected with POLE-related conditions. ClinVar contains an entry for this variant (Variation ID: 405613). Invitae Evidence Modeling of protein sequence and biophysical properties (such as structural, functional, and spatial information, amino acid conservation, physicochemical variation, residue mobility, and thermodynamic stability) indicates that this missense variant is not expected to disrupt POLE protein function with a negative predictive value of 80%. In summary, the available evidence is currently insufficient to determine the role of this variant in disease. Therefore, it has been classified as a Variant of Uncertain Significance.

GeneDx
Classification: Uncertain significance. Last evaluated: 2023-03-31. Review status: criteria provided, single submitter. Criteria: GeneDx Variant Classification Process June 2021. Collection method: clinical testing. Allele origin: germline. Affected: yes.
Comment: Not observed at significant frequency in large population cohorts (gnomAD); In silico analysis supports that this missense variant does not alter protein structure/function; Has not been previously published as pathogenic or benign to our knowledge; This variant is associated with the following publications: (PMID: 29056344)